The following is an entry in ClinVar:

ClinVar aggregate classification (germline): Uncertain significance. Review status: criteria provided, multiple submitters, no conflicts (2 of 4 stars). 2 submissions from 2 submitters: Uncertain significance (2). Last evaluated 2024-12-12.

Conditions:
Congenital dyserythropoietic anemia, type II (CDAN2). Also called: DYSERYTHROPOIETIC ANEMIA, HEMPAS TYPE. Identifiers: Orphanet 98873, MedGen C1306589, MONDO:0009134, OMIM 224100.

Allele frequency attached by ClinVar (database versions not stated): gnomAD exomes below 0.00001; TOPMed below 0.00001; gnomAD 0.00002.
gnomAD v4.1: 7 of 1,613,896 alleles (0.00043%); highest among the groups gnomAD compares: African/African-American, 0.0027%; no homozygotes.

Submissions (2):

Women's Health and Genetics/Laboratory Corporation of America, LabCorp
Classification: Uncertain significance. Last evaluated: 2024-12-12. Review status: criteria provided, single submitter. Criteria: LabCorp Variant Classification Summary - May 2015. Collection method: clinical testing. Allele origin: germline.
Comment: Variant summary: SEC23B c.1512-16A>G alters a non-conserved nucleotide located at a position not widely known to affect splicing. Consensus agreement among computation tools predict no significant impact on normal splicing. However, at least one publication reports experimental evidence using RT-PCR and cDNA sequencing showing the variant results in decreased splicing efficiency leading to skipping of exon 14 (e.g. Pagnamenta_2023). The variant allele was found at a frequency of 4e-06 in 251450 control chromosomes. c.1512-16A>G has been reported in the literature in at least one compound heterozygous individual affected with Congenital dyserythropoietic anemia, type II (e.g. Pagnamenta_2023). These data do not allow any conclusion about variant significance. The following publication has been ascertained in the context of this evaluation (PMID: 37946251). ClinVar contains an entry for this variant (Variation ID: 2498160). Based on the evidence outlined above, the variant was classified as VUS-possibly pathogenic.

Oxford Medical Genetics Laboratories, Oxford University Hospitals NHS Foundation Trust
Classification: Uncertain significance for Congenital dyserythropoietic anemia, type II. Last evaluated: 2023-03-23. Review status: criteria provided, single submitter. Criteria: ACMG Guidelines, 2015. Collection method: clinical testing. Allele origin: germline. Affected: yes.

Literature cited by the submitters: PubMed 37946251 (cited by Women's Health and Genetics/Laboratory Corporation of America, LabCorp).

NM_006363.6(SEC23B):c.1512-16A>G

Gene: SEC23B (SEC23 homolog B, COPII component; plus strand). Cytogenetic location: 20p11.23.
Variant type: single nucleotide variant.
Coding change: c.1512-16A>G on transcript NM_006363.6 (MANE Select); 16 bases into the intron before coding-DNA position 1512, A replaced by G.
Molecular consequence: intron variant.
Genome position (GRCh38, 1-based): chr20:18,543,003, A>G. VCF-style: chr20-18543003-A-G. GRCh37 (hg19) VCF-style: chr20-18523647-A-G.
Other names: c.1512-16A>G (NM_032986.5, NM_001172745.3, NM_032985.6); c.1458-16A>G (NM_001172746.3).
Identifiers: ClinVar variation 2498160 (VCV002498160.2), dbSNP rs772239891, ClinGen allele CA312406894.